The following is an entry in ClinVar:

ClinVar aggregate classification (germline): Likely benign. Review status: criteria provided, single submitter (1 of 4 stars). 2 submissions from 2 submitters: Likely benign (1). 1 of the submissions does not count toward it. Last evaluated 2025-10-15.

Conditions:
MACF1-related disorder. Also called: MACF1-related condition.

gnomAD v4.1: 50 of 1,614,184 alleles (0.0031%); highest among the groups gnomAD compares: East Asian, 0.096%; no homozygotes.

Submissions (2):

Labcorp Genetics (formerly Invitae), Labcorp
Classification: Likely benign. Last evaluated: 2025-10-15. Review status: criteria provided, single submitter. Criteria: Invitae Variant Classification Sherloc (09022015). Collection method: clinical testing. Allele origin: germline.

PreventionGenetics, part of Exact Sciences
Classification: Likely benign for MACF1-related condition. Last evaluated: 2024-06-05. Review status: no assertion criteria provided. Collection method: clinical testing. Allele origin: germline. Not counted in ClinVar's aggregate classification.
Comment: This variant is classified as likely benign based on ACMG/AMP sequence variant interpretation guidelines (Richards et al. 2015 PMID: 25741868, with internal and published modifications).

NM_001394062.1(MACF1):c.15548G>A (p.Cys5183Tyr)

Gene: MACF1 (microtubule actin crosslinking factor 1; plus strand). Cytogenetic location: 1p34.3.
Variant type: single nucleotide variant.
Coding change: c.15548G>A on transcript NM_001394062.1 (MANE Select); coding-DNA position 15548, G replaced by A.
Protein change: p.Cys5183Tyr; replaces cysteine 5183 with tyrosine.
Molecular consequence: missense variant.
Genome position (GRCh38, 1-based): chr1:39,388,390, G>A. VCF-style: chr1-39388390-G-A. GRCh37 (hg19) VCF-style: chr1-39854062-G-A.
Other names: c.9362G>A, p.Cys3121Tyr (NM_012090.5); short protein forms C3121Y, C5183Y.
Identifiers: ClinVar variation 3352832 (VCV003352832.2).
Genomic context (GRCh38, chr1:39,388,390, plus strand): 5'-GGCTATTCCTTAACAAAATTCACGTCCTCAAATTAGACATAGAGGCCTCTGAAGCAGAGT[G>A]TCGACATATGCTAGAAGAAGAGGGGACTCTGGATTTGTTAGGTCTCAAAAGGGAGCTAGA-3'
Protein context (NP_001380991.1, residues 5173-5193): KLDIEASEAE[Cys5183Tyr]RHMLEEEGTL